The following is an entry in ClinVar:

ClinVar aggregate classification (germline): Benign (1 of 4 stars; one submission).

Allele frequency attached by ClinVar (database versions not stated): gnomAD 0.01157; TOPMed 0.01246; 1000 Genomes Project 0.01378; 1000 Genomes Project 30x 0.01640.
gnomAD v4.1: 1,567 of 128,044 alleles (1.2%); highest among the groups gnomAD compares: African/African-American, 6.4%; 146 homozygotes.

Submission:

GeneDx
Classification: Benign. Last evaluated: 2018-06-14. Review status: criteria provided, single submitter. Criteria: GeneDx Variant Classification (06012015). Collection method: clinical testing. Allele origin: germline. Affected: yes.
Comment: This variant is considered likely benign or benign based on one or more of the following criteria: it is a conservative change, it occurs at a poorly conserved position in the protein, it is predicted to be benign by multiple in silico algorithms, and/or has population frequency not consistent with disease.

NM_000090.4(COL3A1):c.637-243G>A

Gene: COL3A1 (collagen type III alpha 1 chain; plus strand). Cytogenetic location: 2q32.2.
Variant type: single nucleotide variant.
Coding change: c.637-243G>A on transcript NM_000090.4 (MANE Select); 243 bases into the intron before coding-DNA position 637, G replaced by A.
Molecular consequence: intron variant.
Genome position (GRCh38, 1-based): chr2:188,989,153, G>A. VCF-style: chr2-188989153-G-A. GRCh37 (hg19) VCF-style: chr2-189853879-G-A.
Identifiers: ClinVar variation 679880 (VCV000679880.1), dbSNP rs56107615, ClinGen allele CA62589221.